The following is an entry in ClinVar:

NM_006206.6(PDGFRA):c.1610T>C (p.Ile537Thr)

Gene: PDGFRA (platelet derived growth factor receptor alpha; plus strand). Cytogenetic location: 4q12.
Variant type: single nucleotide variant.
Coding change: c.1610T>C on transcript NM_006206.6 (MANE Select); coding-DNA position 1610, T replaced by C.
Protein change: p.Ile537Thr; replaces isoleucine 537 with threonine.
Molecular consequence: missense variant.
Genome position (GRCh38, 1-based): chr4:54,274,582, T>C. VCF-style: chr4-54274582-T-C. GRCh37 (hg19) VCF-style: chr4-55140749-T-C.
Other names: c.1610T>C, p.Ile537Thr (NM_001347827.2, NM_001347829.2); c.1685T>C, p.Ile562Thr (NM_001347828.2); c.1649T>C, p.Ile550Thr (NM_001347830.2); short protein forms I562T, I537T, I550T.
Identifiers: ClinVar variation 971935 (VCV000971935.14), dbSNP rs1723605045, ClinGen allele CA356892918.
Genomic context (GRCh38, chr4:54,274,582, plus strand): 5'-GTCACGTAGCCCTGCGTTCTGAACTCACGGTGGCTGCTGCAGTCCTGGTGCTGTTGGTGA[T>C]TGTGATCATCTCACTTATTGTCCTGGTTGTCATTTGGAAACAGGTAGATATTTTCTCATA-3'
Protein context (NP_006197.1, residues 527-547): VAAAVLVLLV[Ile537Thr]VIISLIVLVV

ClinVar aggregate classification (germline): Uncertain significance. Review status: criteria provided, multiple submitters, no conflicts (2 of 4 stars). 3 submissions from 3 submitters: Uncertain significance (3). Last evaluated 2025-03-05.

Conditions:
Gastrointestinal stromal tumor. Also called: Gastrointestinal stromal tumor, somatic; Gastrointestinal stroma tumor. Identifiers: Orphanet 44890, MedGen C0238198, MeSH D046152, MONDO:0011719, OMIM 606764, HP:0100723.
Polyps, multiple and recurrent inflammatory fibroid, gastrointestinal. Identifiers: MedGen C5193005, MONDO:0008285, OMIM 175510.
Hereditary cancer-predisposing syndrome. Also called: Neoplastic Syndromes, Hereditary; Hereditary Cancer Syndrome; Hereditary neoplastic syndrome; Tumor predisposition. Identifiers: Orphanet 140162, MedGen C0027672, MeSH D009386, MONDO:0015356.

Allele frequency attached by ClinVar (database versions not stated): gnomAD exomes below 0.00001.
gnomAD v4.1: 6 of 1,614,012 alleles (0.00037%); highest among the groups gnomAD compares: Non-Finnish European, 0.00042%; no homozygotes.

Submissions (3):

Ambry Genetics
Classification: Uncertain significance for Hereditary cancer-predisposing syndrome. Last evaluated: 2025-03-05. Review status: criteria provided, single submitter. Criteria: Ambry Variant Classification Scheme 2023. Collection method: clinical testing. Allele origin: germline.
Comment: The p.I537T variant (also known as c.1610T>C), located in coding exon 10 of the PDGFRA gene, results from a T to C substitution at nucleotide position 1610. The isoleucine at codon 537 is replaced by threonine, an amino acid with similar properties. This amino acid position is conserved. In addition, the in silico prediction for this alteration is inconclusive. Since supporting evidence is limited at this time, the clinical significance of this alteration remains unclear.

Labcorp Genetics (formerly Invitae), Labcorp
Classification: Uncertain significance for Gastrointestinal stromal tumor. Last evaluated: 2025-01-18. Review status: criteria provided, single submitter. Criteria: Invitae Variant Classification Sherloc (09022015). Collection method: clinical testing. Allele origin: germline.
Comment: This sequence change replaces isoleucine, which is neutral and non-polar, with threonine, which is neutral and polar, at codon 537 of the PDGFRA protein (p.Ile537Thr). This variant is not present in population databases (gnomAD no frequency). This variant has not been reported in the literature in individuals affected with PDGFRA-related conditions. ClinVar contains an entry for this variant (Variation ID: 971935). Invitae Evidence Modeling of protein sequence and biophysical properties (such as structural, functional, and spatial information, amino acid conservation, physicochemical variation, residue mobility, and thermodynamic stability) indicates that this missense variant is not expected to disrupt PDGFRA protein function with a negative predictive value of 80%. In summary, the available evidence is currently insufficient to determine the role of this variant in disease. Therefore, it has been classified as a Variant of Uncertain Significance.

Baylor Genetics
Classification: Uncertain significance for Polyps, multiple and recurrent inflammatory fibroid, gastrointestinal. Last evaluated: 2023-11-02. Review status: criteria provided, single submitter. Criteria: ACMG Guidelines, 2015. Collection method: clinical testing. Allele origin: unknown.